The following is an entry in ClinVar:

NM_000553.6(WRN):c.3643C>G (p.Leu1215Val)

Gene: WRN (WRN RecQ like helicase; plus strand). Cytogenetic location: 8p12.
Variant type: single nucleotide variant.
Coding change: c.3643C>G on transcript NM_000553.6 (MANE Select); coding-DNA position 3643, C replaced by G.
Protein change: p.Leu1215Val; replaces leucine 1215 with valine.
Molecular consequence: missense variant.
Genome position (GRCh38, 1-based): chr8:31,150,411, C>G. VCF-style: chr8-31150411-C-G. GRCh37 (hg19) VCF-style: chr8-31007927-C-G.
Other names: short protein forms L1215V.
Identifiers: ClinVar variation 575161 (VCV000575161.4), dbSNP rs1563382539, ClinGen allele CA370927873.

ClinVar aggregate classification (germline): Uncertain significance (1 of 4 stars; one submission).

Conditions:
Werner syndrome (WRN). Identifiers: Orphanet 902, MedGen C0043119, MONDO:0010196, OMIM 277700.

Submission:

Labcorp Genetics (formerly Invitae), Labcorp
Classification: Uncertain significance for Werner syndrome. Last evaluated: 2018-06-26. Review status: criteria provided, single submitter. Criteria: Invitae Variant Classification Sherloc (09022015). Collection method: clinical testing. Allele origin: germline.
Comment: This variant has not been reported in the literature in individuals with WRN-related disease. This variant is not present in population databases (ExAC no frequency). This sequence change replaces leucine with valine at codon 1215 of the WRN protein (p.Leu1215Val). The leucine residue is highly conserved and there is a small physicochemical difference between leucine and valine. Algorithms developed to predict the effect of missense changes on protein structure and function are either unavailable or do not agree on the potential impact of this missense change (SIFT: "Tolerated"; PolyPhen-2: "Probably Damaging"; Align-GVGD: "Class C0"). In summary, the available evidence is currently insufficient to determine the role of this variant in disease. Therefore, it has been classified as a Variant of Uncertain Significance.